The following is an entry in ClinVar:

NM_001130438.3(SPTAN1):c.316G>A (p.Gly106Arg)

Gene: SPTAN1 (spectrin alpha, non-erythrocytic 1; plus strand). Cytogenetic location: 9q34.11.
Variant type: single nucleotide variant.
Coding change: c.316G>A on transcript NM_001130438.3 (MANE Select); coding-DNA position 316, G replaced by A.
Protein change: p.Gly106Arg; replaces glycine 106 with arginine.
Molecular consequence: missense variant.
Genome position (GRCh38, 1-based): chr9:128,568,850, G>A. VCF-style: chr9-128568850-G-A. GRCh37 (hg19) VCF-style: chr9-131331129-G-A.
Other names: c.316G>A, p.Gly106Arg (NM_001195532.2, NM_001363759.2, NM_001363765.2 and 1 more transcripts); short protein forms G106R.
Identifiers: ClinVar variation 625454 (VCV000625454.2), dbSNP rs1564197227, ClinGen allele CA375051033.

ClinVar aggregate classification (germline): Likely pathogenic (1 of 4 stars; one submission).

Conditions:
Developmental and epileptic encephalopathy, 5 (DEE5). Identifiers: Orphanet 3451, MedGen C3150731, MONDO:0013277, OMIM 613477.

Submission:

Institute of Human Genetics, University of Goettingen
Classification: Likely pathogenic for Developmental and epileptic encephalopathy, 5. Last evaluated: 2019-04-04. Review status: criteria provided, single submitter. Criteria: ACMG Guidelines, 2015. Collection method: clinical testing. Allele origin: de novo. Inheritance: Autosomal dominant inheritance. Affected: yes. Observed: 1 heterozygote.
Comment: de novo